The following is an entry in ClinVar:

ClinVar aggregate classification (germline): Uncertain significance. Review status: criteria provided, multiple submitters, no conflicts (2 of 4 stars). 5 submissions from 5 submitters: Uncertain significance (5). Last evaluated 2025-11-01.

Conditions:
RYR1-related disorder. Also called: RYR1-related condition; RYR1-related disorders. Identifiers: MedGen CN239331.
Malignant hyperthermia, susceptibility to, 1 (MHS1). Also called: Anesthesia related hyperthermia; Malignant hyperpyrexia; Fulminating hyperpyrexia; Pharmacogenic myopathy; RYR1-Related Malignant Hyperthermia Susceptibility; Malignant hyperthermia suceptibility 1. Identifiers: Orphanet 423, MedGen C2930980, MONDO:0007783, OMIM 145600.
Inborn genetic diseases. Identifiers: MedGen C0950123, MeSH D030342.

gnomAD v4.1: 2 of 1,613,790 alleles (0.00012%); highest among the groups gnomAD compares: Admixed American, 0.0033%; no homozygotes.

Submissions (5):

Labcorp Genetics (formerly Invitae), Labcorp
Classification: Uncertain significance for RYR1-related disorder. Last evaluated: 2025-11-01. Review status: criteria provided, single submitter. Criteria: Invitae Variant Classification Sherloc (09022015). Collection method: clinical testing. Allele origin: germline.
Comment: This sequence change replaces aspartic acid, which is acidic and polar, with valine, which is neutral and non-polar, at codon 3842 of the RYR1 protein (p.Asp3842Val). This variant is present in population databases (no rsID available, gnomAD 0.003%). This variant has not been reported in the literature in individuals affected with RYR1-related conditions. ClinVar contains an entry for this variant (Variation ID: 3900865). Invitae Evidence Modeling of protein sequence and biophysical properties (such as structural, functional, and spatial information, amino acid conservation, physicochemical variation, residue mobility, and thermodynamic stability) has been performed for this missense variant. However, the output from this modeling did not meet the statistical confidence thresholds required to predict the impact of this variant on RYR1 protein function. In summary, the available evidence is currently insufficient to determine the role of this variant in disease. Therefore, it has been classified as a Variant of Uncertain Significance.

Ambry Genetics
Classification: Uncertain significance for Inborn genetic diseases. Last evaluated: 2025-09-10. Review status: criteria provided, single submitter. Criteria: Ambry Variant Classification Scheme 2023. Collection method: clinical testing. Allele origin: germline.

Color Diagnostics, LLC DBA Color Health
Classification: Uncertain significance for Malignant hyperthermia, susceptibility to, 1. Last evaluated: 2025-09-05. Review status: criteria provided, single submitter. Criteria: ACMG Guidelines, 2015. Collection method: clinical testing. Allele origin: germline.
Comment: This missense variant replaces aspartic acid with valine at codon 3842 of the RYR1 protein. Computational prediction suggests that this variant may have deleterious impact on protein structure and function. To our knowledge, functional studies have not been reported for this variant. This variant has not been reported in individuals affected with RYR1-related disorders in the literature. This variant has been identified in 1/250636 chromosomes in the general population by the Genome Aggregation Database (gnomAD). The available evidence is insufficient to determine the role of this variant in disease conclusively. Therefore, this variant is classified as a Variant of Uncertain Significance.

PreventionGenetics, part of Exact Sciences
Classification: Uncertain significance for RYR1-related condition. Last evaluated: 2025-05-07. Review status: criteria provided, single submitter. Criteria: ACMG Guidelines, 2015. Collection method: clinical testing. Allele origin: germline.
Comment: The RYR1 c.11525A>T variant is predicted to result in the amino acid substitution p.Asp3842Val. To our knowledge, this variant has not been reported in the literature. This variant is reported in 0.0029% of alleles in individuals of Latino descent in gnomAD. At this time, the clinical significance of this variant is uncertain due to the absence of conclusive functional and genetic evidence.

GeneDx
Classification: Uncertain significance. Last evaluated: 2024-11-26. Review status: criteria provided, single submitter. Criteria: GeneDx Variant Classification Process June 2021. Collection method: clinical testing. Allele origin: germline. Affected: yes.
Comment: Not observed at significant frequency in large population cohorts (gnomAD); In silico analysis supports that this missense variant has a deleterious effect on protein structure/function; Has not been previously published as pathogenic or benign to our knowledge

NM_000540.3(RYR1):c.11525A>T (p.Asp3842Val)

Gene: RYR1 (ryanodine receptor 1; plus strand). Cytogenetic location: 19q13.2.
Variant type: single nucleotide variant.
Coding change: c.11525A>T on transcript NM_000540.3 (MANE Select); coding-DNA position 11525, A replaced by T.
Protein change: p.Asp3842Val; replaces aspartic acid 3842 with valine.
Molecular consequence: missense variant.
Genome position (GRCh38, 1-based): chr19:38,536,005, A>T. VCF-style: chr19-38536005-A-T. GRCh37 (hg19) VCF-style: chr19-39026645-A-T.
Other names: c.11510A>T, p.Asp3837Val (NM_001042723.2); short protein forms D3837V, D3842V.
Identifiers: ClinVar variation 3900865 (VCV003900865.4).
Genomic context (GRCh38, chr19:38,536,005, plus strand): 5'-GGAGGGCAGAGGCTTCATCACATACCCCCTATCTTTCCTTTCTTTTCCTCAGCGTCCTGG[A>T]TCTCAATGCCTTTGAGAGACAGAACAAGGCCGAGGGGCTGGGCATGGTGAATGAGGATGG-3'
Protein context (NP_000531.2, residues 3832-3852): QALMQTCSVL[Asp3842Val]LNAFERQNKA